The following is an entry in ClinVar:

NM_006005.3(WFS1):c.395T>G (p.Leu132Arg)

Gene: WFS1 (wolframin ER transmembrane glycoprotein; plus strand). Cytogenetic location: 4p16.1.
Variant type: single nucleotide variant.
Coding change: c.395T>G on transcript NM_006005.3 (MANE Select); coding-DNA position 395, T replaced by G.
Protein change: p.Leu132Arg; replaces leucine 132 with arginine.
Molecular consequence: missense variant.
Genome position (GRCh38, 1-based): chr4:6,289,066, T>G. VCF-style: chr4-6289066-T-G. GRCh37 (hg19) VCF-style: chr4-6290793-T-G.
Other names: c.395T>G, p.Leu132Arg (NM_001145853.1); short protein forms L132R.
Identifiers: ClinVar variation 1356974 (VCV001356974.9), dbSNP rs763992743, ClinGen allele CA2838882.

ClinVar aggregate classification (germline): Uncertain significance. Review status: criteria provided, multiple submitters, no conflicts (2 of 4 stars). 3 submissions from 3 submitters: Uncertain significance (3). Last evaluated 2025-09-08.

Conditions:
Autosomal dominant nonsyndromic hearing loss 6 (LFSNHL). Also called: Autosomal dominant nonsyndromic deafness 6; DEAFNESS, AUTOSOMAL DOMINANT 6; DEAFNESS, AUTOSOMAL DOMINANT 14; DEAFNESS, AUTOSOMAL DOMINANT 38. Identifiers: Orphanet 90635, MedGen C1833021, MONDO:0010963, OMIM 600965.
Type 2 diabetes mellitus. Also called: Type II diabetes mellitus. Identifiers: MedGen C0011860, MeSH D003924, MONDO:0005148, OMIM 125853, HP:0005978.
Wolfram-like syndrome. Also called: HEARING LOSS, PROGRESSIVE, WITH OPTIC ATROPHY AND/OR IMPAIRED GLUCOSE REGULATION. Identifiers: Orphanet 411590, MedGen C3280358, MONDO:0013673, OMIM 614296.
Cataract 41 (CTRCT41). Also called: CATARACT 41, CONGENITAL NUCLEAR TYPE. Identifiers: Orphanet 91492, Orphanet 98991, Orphanet 98992, Orphanet 98995, MedGen C3805412, MONDO:0007287, OMIM 116400.
Wolfram syndrome 1 (WFS1). Identifiers: Orphanet 3463, MedGen C4551693, MONDO:0009101, OMIM 222300.

Allele frequency attached by ClinVar (database versions not stated): gnomAD 0.00001; gnomAD exomes 0.00002 and 0.00005; TOPMed 0.00003; 1000 Genomes Project 30x 0.00031.
gnomAD v4.1: 13 of 1,593,338 alleles (0.00082%); highest among the groups gnomAD compares: Admixed American, 0.021%; no homozygotes.

Submissions (3):

Labcorp Genetics (formerly Invitae), Labcorp
Classification: Uncertain significance. Last evaluated: 2025-09-08. Review status: criteria provided, single submitter. Criteria: Invitae Variant Classification Sherloc (09022015). Collection method: clinical testing. Allele origin: germline.
Comment: This sequence change replaces leucine, which is neutral and non-polar, with arginine, which is basic and polar, at codon 132 of the WFS1 protein (p.Leu132Arg). This variant is present in population databases (rs763992743, gnomAD 0.03%). This variant has not been reported in the literature in individuals affected with WFS1-related conditions. ClinVar contains an entry for this variant (Variation ID: 1356974). Invitae Evidence Modeling of protein sequence and biophysical properties (such as structural, functional, and spatial information, amino acid conservation, physicochemical variation, residue mobility, and thermodynamic stability) indicates that this missense variant is not expected to disrupt WFS1 protein function with a negative predictive value of 80%. In summary, the available evidence is currently insufficient to determine the role of this variant in disease. Therefore, it has been classified as a Variant of Uncertain Significance.

GeneDx
Classification: Uncertain significance. Last evaluated: 2025-07-20. Review status: criteria provided, single submitter. Criteria: GeneDx Variant Classification Process June 2021. Collection method: clinical testing. Allele origin: germline. Affected: yes.
Comment: In silico analysis suggests that this missense variant does not alter protein structure/function; Has not been previously published as pathogenic or benign to our knowledge

Fulgent Genetics
Classification: Uncertain significance for Cataract 41; Type 2 diabetes mellitus; Wolfram syndrome 1; Autosomal dominant nonsyndromic hearing loss 6; Wolfram-like syndrome. Last evaluated: 2024-06-06. Review status: criteria provided, single submitter. Criteria: ACMG Guidelines, 2015. Collection method: clinical testing. Allele origin: germline.